The following is an entry in ClinVar:

NM_014014.5(SNRNP200):c.2940+5G>A

Gene: SNRNP200 (small nuclear ribonucleoprotein U5 subunit 200; minus strand). Cytogenetic location: 2q11.2.
Variant type: single nucleotide variant.
Coding change: c.2940+5G>A on transcript NM_014014.5 (MANE Select); 5 bases into the intron after coding-DNA position 2940, G replaced by A.
Molecular consequence: intron variant.
Genome position (GRCh38, 1-based): chr2:96,289,794, C>T on the plus strand (G>A on the coding strand, the complement: SNRNP200 is on the minus strand). VCF-style: chr2-96289794-C-T. GRCh37 (hg19) VCF-style: chr2-96955532-C-T.
Identifiers: ClinVar variation 1017080 (VCV001017080.6), dbSNP rs868196932, ClinGen allele CA52396770.

ClinVar aggregate classification (germline): Uncertain significance (1 of 4 stars; one submission).

Allele frequency attached by ClinVar (database versions not stated): TOPMed below 0.00001; gnomAD 0.00001; gnomAD exomes 0.00001.
gnomAD v4.1: 19 of 1,613,730 alleles (0.0012%); highest among the groups gnomAD compares: Admixed American, 0.005%; no homozygotes.

Submission:

Labcorp Genetics (formerly Invitae), Labcorp
Classification: Uncertain significance. Last evaluated: 2020-10-21. Review status: criteria provided, single submitter. Criteria: Invitae Variant Classification Sherloc (09022015). Collection method: clinical testing. Allele origin: germline.
Comment: Nucleotide substitutions within the consensus splice site are a relatively common cause of aberrant splicing (PMID: 17576681, 9536098). Algorithms developed to predict the effect of sequence changes on RNA splicing suggest that this variant may disrupt the consensus splice site, but this prediction has not been confirmed by published transcriptional studies. In summary, the available evidence is currently insufficient to determine the role of this variant in disease. Therefore, it has been classified as a Variant of Uncertain Significance. This variant has not been reported in the literature in individuals with SNRNP200-related conditions. This variant is not present in population databases (ExAC no frequency). This sequence change falls in intron 21 of the SNRNP200 gene. It does not directly change the encoded amino acid sequence of the SNRNP200 protein. It affects a nucleotide within the consensus splice site of the intron.

Literature cited by the submitters: PubMed 17576681; PubMed 9536098.